The following is an entry in ClinVar:

NM_004006.3(DMD):c.689T>A (p.Met230Lys)

Gene: DMD (dystrophin; minus strand). Cytogenetic location: Xp21.1.
Variant type: single nucleotide variant.
Coding change: c.689T>A on transcript NM_004006.3 (MANE Select); coding-DNA position 689, T replaced by A.
Protein change: p.Met230Lys; replaces methionine 230 with lysine.
Molecular consequence: missense variant.
Genome position (GRCh38, 1-based): chrX:32,699,254, A>T on the plus strand (T>A on the coding strand, the complement: DMD is on the minus strand). VCF-style: chrX-32699254-A-T. GRCh37 (hg19) VCF-style: chrX-32717371-A-T.
Other names: c.665T>A, p.Met222Lys (NM_000109.4); c.677T>A, p.Met226Lys (NM_004009.3); c.320T>A, p.Met107Lys (NM_004010.3); short protein forms M107K, M222K, M226K, M230K.
Identifiers: ClinVar variation 3669845 (VCV003669845.2).
Genomic context (GRCh38, chrX:32,699,254, plus strand): 5'-TCCTGGATGGCTTCAATGCTCACTTGTTGAGGCAAAACTTGGAAGAGTGATGTGATGTAC[A>T]TTAAGATGGACTTCTTATCTGGATAGGTGGTATCAACATCTGTAAGCACATTAACACTAC-3'
Protein context (NP_003997.2, residues 220-240): TTYPDKKSIL[Met230Lys]YITSLFQVLP

ClinVar aggregate classification (germline): Uncertain significance (1 of 4 stars; one submission).

Conditions:
Duchenne muscular dystrophy (DMD). Also called: MUSCULAR DYSTROPHY, PSEUDOHYPERTROPHIC PROGRESSIVE, DUCHENNE TYPE; Duchenne Muscular Dystrophy (DMD). Identifiers: Orphanet 98896, MedGen C0013264, MONDO:0010679, OMIM 310200.

Submission:

Labcorp Genetics (formerly Invitae), Labcorp
Classification: Uncertain significance for Duchenne muscular dystrophy. Last evaluated: 2024-05-22. Review status: criteria provided, single submitter. Criteria: Invitae Variant Classification Sherloc (09022015). Collection method: clinical testing. Allele origin: germline.
Comment: This sequence change replaces methionine, which is neutral and non-polar, with lysine, which is basic and polar, at codon 230 of the DMD protein (p.Met230Lys). This variant is not present in population databases (gnomAD no frequency). This variant has not been reported in the literature in individuals affected with DMD-related conditions. Advanced modeling of protein sequence and biophysical properties (such as structural, functional, and spatial information, amino acid conservation, physicochemical variation, residue mobility, and thermodynamic stability) has been performed at Invitae for this missense variant, however the output from this modeling did not meet the statistical confidence thresholds required to predict the impact of this variant on DMD protein function. In summary, the available evidence is currently insufficient to determine the role of this variant in disease. Therefore, it has been classified as a Variant of Uncertain Significance.